The following is an entry in ClinVar:

ClinVar aggregate classification (germline): Conflicting classifications of pathogenicity. Review status: criteria provided, conflicting classifications (1 of 4 stars). 3 submissions from 3 submitters: Uncertain significance (2); Likely benign (1). Last evaluated 2024-02-23.

Conditions:
Hereditary cancer-predisposing syndrome. Also called: Neoplastic Syndromes, Hereditary; Tumor predisposition; Hereditary Cancer Syndrome; Hereditary neoplastic syndrome. Identifiers: Orphanet 140162, MedGen C0027672, MeSH D009386, MONDO:0015356.
Hereditary breast ovarian cancer syndrome. Also called: Hereditary breast and ovarian cancer syndrome; Hereditary breast and ovarian cancer; Hereditary breast and ovarian cancer syndrome (HBOC); Breast and ovarian cancer; Hereditary breast and/or ovarian cancer syndrome; BRCA1- and BRCA2-Associated Hereditary Breast and Ovarian Cancer. Identifiers: Orphanet 145, MedGen C0677776, MeSH D061325, MONDO:0003582. Disease mechanism: loss of function.

Submissions (3):

Labcorp Genetics (formerly Invitae), Labcorp
Classification: Uncertain significance for Hereditary breast ovarian cancer syndrome. Last evaluated: 2024-02-23. Review status: criteria provided, single submitter. Criteria: Invitae Variant Classification Sherloc (09022015). Collection method: clinical testing. Allele origin: germline.
Comment: This sequence change replaces proline, which is neutral and non-polar, with threonine, which is neutral and polar, at codon 514 of the BRCA1 protein (p.Pro514Thr). This variant is not present in population databases (gnomAD no frequency). This variant has not been reported in the literature in individuals affected with BRCA1-related conditions. ClinVar contains an entry for this variant (Variation ID: 482935). Advanced modeling of protein sequence and biophysical properties (such as structural, functional, and spatial information, amino acid conservation, physicochemical variation, residue mobility, and thermodynamic stability) has been performed at Invitae for this missense variant, however the output from this modeling did not meet the statistical confidence thresholds required to predict the impact of this variant on BRCA1 protein function. In summary, the available evidence is currently insufficient to determine the role of this variant in disease. Therefore, it has been classified as a Variant of Uncertain Significance.

Ambry Genetics
Classification: Uncertain significance for Hereditary cancer-predisposing syndrome. Last evaluated: 2024-02-02. Review status: criteria provided, single submitter. Criteria: Ambry Variant Classification Scheme 2023. Collection method: clinical testing. Allele origin: germline.
Comment: The p.P514T variant (also known as c.1540C>A), located in coding exon 9 of the BRCA1 gene, results from a C to A substitution at nucleotide position 1540. The proline at codon 514 is replaced by threonine, an amino acid with highly similar properties. This amino acid position is highly conserved in available vertebrate species. In addition, this alteration is predicted to be deleterious by in silico analysis. Since supporting evidence is limited at this time, the clinical significance of this alteration remains unclear.

University of Washington Department of Laboratory Medicine, University of Washington
Classification: Likely benign for Hereditary cancer-predisposing syndrome. Last evaluated: 2023-03-23. Review status: criteria provided, single submitter. Criteria: Dines et al. (Genet Med. 2020). Collection method: curation. Allele origin: germline.
Comment: Missense variant in a coldspot region where missense variants are very unlikely to be pathogenic (PMID:31911673).

BRCA1 coldspot (exon 11 using historical exon numbering). Reclassification based on statistical prior probability

NM_007294.4(BRCA1):c.1540C>A (p.Pro514Thr)

Gene: BRCA1 (BRCA1 DNA repair associated; minus strand). Cytogenetic location: 17q21.31.
Variant type: single nucleotide variant.
Coding change: c.1540C>A on transcript NM_007294.4 (MANE Select); coding-DNA position 1540, C replaced by A.
Protein change: p.Pro514Thr; replaces proline 514 with threonine.
Molecular consequence: missense variant. On other transcripts: intron variant (137).
Genome position (GRCh38, 1-based): chr17:43,093,991, G>T on the plus strand (C>A on the coding strand, the complement: BRCA1 is on the minus strand). VCF-style: chr17-43093991-G-T. GRCh37 (hg19) VCF-style: chr17-41246008-G-T.
Other names: c.577+753C>A (NM_001408485.1, NM_001408483.1, NM_001408481.1 and 9 more transcripts); c.1327C>A, p.Pro443Thr (NM_001407571.1, NM_001407853.1, NM_001407894.1 and 9 more transcripts); c.661+753C>A (NM_001408447.1, NM_001408433.1, NM_001408446.1 and 6 more transcripts); c.1540C>A, p.Pro514Thr (NM_001407581.1, NM_001407582.1, NM_001407583.1 and 30 more transcripts); c.784+753C>A (NM_001408400.1, NM_001408392.1, NM_001407986.1 and 13 more transcripts); c.1537C>A, p.Pro513Thr (NM_001407587.1, NM_001407590.1, NM_001407591.1 and 22 more transcripts); c.664+753C>A (NM_001408441.1, NM_001408437.1, NM_001408429.1 and 12 more transcripts); c.787+753C>A (NM_001407979.1, NM_001407977.1, NM_001407982.1 and 19 more transcripts); and 40 more; short protein forms P514T, P467T, P218T, P387T, P426T, P472T, P346T, P386T.
Identifiers: ClinVar variation 482935 (VCV000482935.17), dbSNP rs1555591584, ClinGen allele CA10598972.